The following is an entry in ClinVar:

ClinVar aggregate classification (germline): Uncertain significance (1 of 4 stars; one submission).

Conditions:
Hereditary cancer-predisposing syndrome. Also called: Neoplastic Syndromes, Hereditary; Tumor predisposition; Hereditary neoplastic syndrome; Hereditary Cancer Syndrome. Identifiers: Orphanet 140162, MedGen C0027672, MeSH D009386, MONDO:0015356.

Submission:

Ambry Genetics
Classification: Uncertain significance for Hereditary cancer-predisposing syndrome. Last evaluated: 2023-12-05. Review status: criteria provided, single submitter. Criteria: Ambry Variant Classification Scheme 2023. Collection method: clinical testing. Allele origin: germline.
Comment: The p.Y191N variant (also known as c.571T>A), located in coding exon 5 of the APC gene, results from a T to A substitution at nucleotide position 571. The tyrosine at codon 191 is replaced by asparagine, an amino acid with dissimilar properties. This amino acid position is conserved. In addition, in silico predictors for this gene do not accurately predict pathogenicity. Since supporting evidence is limited at this time, the clinical significance of this alteration remains unclear.

NM_000038.6(APC):c.571T>A (p.Tyr191Asn)

Gene: APC (APC regulator of Wnt signaling pathway; plus strand). Cytogenetic location: 5q22.2.
Variant type: single nucleotide variant.
Coding change: c.571T>A on transcript NM_000038.6 (MANE Select); coding-DNA position 571, T replaced by A.
Protein change: p.Tyr191Asn; replaces tyrosine 191 with asparagine.
Molecular consequence: missense variant. On other transcripts: 5 prime UTR variant (4), non-coding transcript variant (2).
Genome position (GRCh38, 1-based): chr5:112,780,829, T>A. VCF-style: chr5-112780829-T-A. GRCh37 (hg19) VCF-style: chr5-112116526-T-A.
Other names: c.571T>A, p.Tyr191Asn (NM_001127510.3, NM_001354895.2, NM_001354896.2 and 16 more transcripts); c.601T>A, p.Tyr201Asn (NM_001127511.3, NM_001354897.2, NM_001354902.2 and 1 more transcripts); c.496T>A, p.Tyr166Asn (NM_001354898.2, NM_001354904.2, NM_001407451.1); c.394T>A, p.Tyr132Asn (NM_001354900.2, NM_001354901.2, NM_001354905.2 and 1 more transcripts); c.-465T>A (NM_001354906.2, NM_001407470.1, NM_001407471.1 and 1 more transcripts); short protein forms Y132N, Y166N, Y191N, Y201N.
Identifiers: ClinVar variation 3230785 (VCV003230785.1), dbSNP rs2149639659, ClinGen allele CA16022584.